The following is an entry in ClinVar:

NM_021911.3(GABRB2):c.-165A>G

Gene: GABRB2 (gamma-aminobutyric acid type A receptor subunit beta2; minus strand). Cytogenetic location: 5q34.
Variant type: single nucleotide variant.
Coding change: c.-165A>G on transcript NM_021911.3; 165 bases upstream of the start codon, A replaced by G.
Molecular consequence: 5 prime UTR variant.
Genome position (GRCh38, 1-based): chr5:161,548,071, T>C on the plus strand (A>G on the coding strand, the complement: GABRB2 is on the minus strand). VCF-style: chr5-161548071-T-C. GRCh37 (hg19) VCF-style: chr5-160975077-T-C.
Other names: c.-165A>G (NM_000813.3).
Identifiers: ClinVar variation 389003 (VCV000389003.3), dbSNP rs572328851, ClinGen allele CA16605308.

ClinVar aggregate classification (germline): Likely benign (1 of 4 stars; one submission).

Allele frequency attached by ClinVar (database versions not stated): TOPMed 0.00007; 1000 Genomes Project 30x 0.00016; 1000 Genomes Project 0.00020; gnomAD 0.00003.

Submission:

GeneDx
Classification: Likely benign. Last evaluated: 2016-09-01. Review status: criteria provided, single submitter. Criteria: GeneDx Variant Classification (06012015). Collection method: clinical testing. Allele origin: germline. Affected: yes.
Comment: This variant is considered likely benign or benign based on one or more of the following criteria: it is a conservative change, it occurs at a poorly conserved position in the protein, it is predicted to be benign by multiple in silico algorithms, and/or has population frequency not consistent with disease.